The following is an entry in ClinVar:

NM_001005242.3(PKP2):c.717C>T (p.Ala239=)

Gene: PKP2 (plakophilin 2; minus strand). Cytogenetic location: 12p11.21.
Variant type: single nucleotide variant.
Coding change: c.717C>T on transcript NM_001005242.3 (MANE Select); coding-DNA position 717, C replaced by T.
Protein change: p.Ala239=; no amino-acid change (alanine 239 retained).
Molecular consequence: synonymous variant.
Genome position (GRCh38, 1-based): chr12:32,878,163, G>A on the plus strand (C>T on the coding strand, the complement: PKP2 is on the minus strand). VCF-style: chr12-32878163-G-A. GRCh37 (hg19) VCF-style: chr12-33031097-G-A.
Other names: c.717C>T, p.Ala239= (NM_004572.4).
Identifiers: ClinVar variation 519557 (VCV000519557.16), dbSNP rs143777637, ClinGen allele CA038464.

ClinVar aggregate classification (germline): Likely benign. Review status: criteria provided, multiple submitters, no conflicts (2 of 4 stars). 4 submissions from 4 submitters: Likely benign (4). Last evaluated 2025-11-21.

Conditions:
Cardiovascular phenotype. Identifiers: MedGen CN230736.
Arrhythmogenic right ventricular cardiomyopathy (ARVD). Also called: Arrhythmogenic cardiomyopathy; Arrhythmogenic Right Ventricular Cardiomyopathy (ARVC); Cardiomyopathy, ARVC; Arrhythmogenic right ventricular dysplasia. Identifiers: Orphanet 247, MedGen C0349788, MeSH D019571, MONDO:0016587. Disease mechanism: loss of function. Inheritance: Various modes of inheritance.
Cardiomyopathy (CMYO). Also called: Cardiomyopathies. Identifiers: Orphanet 167848, MedGen C0878544, MONDO:0004994, HP:0001638. Inheritance: Various modes of inheritance.
Arrhythmogenic right ventricular dysplasia 9 (ARVD9). Also called: Arrhythmogenic Right Ventricular Dysplasia/Cardiomyopathy 9; ARRHYTHMOGENIC RIGHT VENTRICULAR DYSPLASIA, FAMILIAL, 9. Identifiers: MedGen C1836906, MONDO:0012180, OMIM 609040.

Allele frequency attached by ClinVar (database versions not stated): gnomAD exomes below 0.00001 and 0.00001; ExAC 0.00001; ESP Exome Variant Server 0.00008.
gnomAD v4.1: 4 of 1,614,236 alleles (0.00025%); highest among the groups gnomAD compares: South Asian, 0.0011%; no homozygotes.

Submissions (4):

Labcorp Genetics (formerly Invitae), Labcorp
Classification: Likely benign for Arrhythmogenic right ventricular dysplasia 9. Last evaluated: 2025-11-21. Review status: criteria provided, single submitter. Criteria: Invitae Variant Classification Sherloc (09022015). Collection method: clinical testing. Allele origin: germline.

All of Us Research Program, National Institutes of Health
Classification: Likely benign for Arrhythmogenic right ventricular cardiomyopathy. Last evaluated: 2024-03-24. Review status: criteria provided, single submitter. Criteria: ACMG Guidelines, 2015. Collection method: clinical testing. Allele origin: germline. Inheritance: Autosomal dominant inheritance. Observed: 5 variant alleles, 5 heterozygotes.
Comment: This study involves interpretation of variants in research participants for the purpose of population health screening. Participant phenotype was not available at the time of variant classification. Additional details can be found in publication PMID: 35346344, PMCID: PMC8962531

Color Diagnostics, LLC DBA Color Health
Classification: Likely benign for Cardiomyopathy. Last evaluated: 2022-08-16. Review status: criteria provided, single submitter. Criteria: ACMG Guidelines, 2015. Collection method: clinical testing. Allele origin: germline.

Ambry Genetics
Classification: Likely benign for Cardiovascular phenotype. Last evaluated: 2017-12-16. Review status: criteria provided, single submitter. Criteria: Ambry Variant Classification Scheme 2023. Collection method: clinical testing. Allele origin: germline.